The following is an entry in ClinVar:

NM_002519.3(NPAT):c.2842A>G (p.Met948Val)

Gene: NPAT (nuclear protein, coactivator of histone transcription; minus strand). Cytogenetic location: 11q22.3.
Variant type: single nucleotide variant.
Coding change: c.2842A>G on transcript NM_002519.3 (MANE Select); coding-DNA position 2842, A replaced by G.
Protein change: p.Met948Val; replaces methionine 948 with valine.
Molecular consequence: missense variant.
Genome position (GRCh38, 1-based): chr11:108,169,987, T>C on the plus strand (A>G on the coding strand, the complement: NPAT is on the minus strand). VCF-style: chr11-108169987-T-C. GRCh37 (hg19) VCF-style: chr11-108040714-T-C.
Other names: c.2842A>G, p.Met948Val (NM_001321307.1); short protein forms M948V.
Identifiers: ClinVar variation 1796731 (VCV001796731.2), dbSNP rs2496711391, ClinGen allele CA382512116.

ClinVar aggregate classification (germline): Uncertain significance (1 of 4 stars; one submission).

Submission:

Ambry Genetics
Classification: Uncertain significance. Last evaluated: 2022-08-30. Review status: criteria provided, single submitter. Criteria: Ambry Variant Classification Scheme 2023. Collection method: clinical testing. Allele origin: germline.
Comment: The p.M948V variant (also known as c.2842A>G), located in coding exon 14 of the NPAT gene, results from an A to G substitution at nucleotide position 2842. The methionine at codon 948 is replaced by valine, an amino acid with highly similar properties. This amino acid position is conserved. In addition, this alteration is predicted to be tolerated by in silico analysis. Since supporting evidence is limited at this time, the clinical significance of this alteration remains unclear.